The following is an entry in ClinVar:

ClinVar aggregate classification (germline): Uncertain significance (1 of 4 stars; one submission).

Submission:

Labcorp Genetics (formerly Invitae), Labcorp
Classification: Uncertain significance. Last evaluated: 2026-01-12. Review status: criteria provided, single submitter. Criteria: Invitae Variant Classification Sherloc (09022015). Collection method: clinical testing. Allele origin: germline.
Comment: This sequence change creates a premature translational stop signal (p.Pro95Glnfs*40) in the SAMD9L gene. While this is not anticipated to result in nonsense mediated decay, it is expected to disrupt the last 1490 amino acid(s) of the SAMD9L protein. This variant is not present in population databases (gnomAD no frequency). This variant has not been reported in the literature in individuals affected with SAMD9L-related conditions. In summary, the available evidence is currently insufficient to determine the role of this variant in disease. Therefore, it has been classified as a Variant of Uncertain Significance.

NM_152703.5(SAMD9L):c.284_293del (p.Pro95fs)

Gene: SAMD9L (sterile alpha motif domain containing 9 like; minus strand). Cytogenetic location: 7q21.2.
Variant type: Deletion.
Coding change: c.284_293del on transcript NM_152703.5 (MANE Select); coding-DNA positions 284 to 293, 10 bases deleted (CGTCCAAAAC; older notation c.284_293delCGTCCAAAAC).
Protein change: p.Pro95fs; shifts the reading frame from proline 95.
Molecular consequence: frameshift variant.
Genome position (GRCh38, 1-based): chr7:93,135,679-93,135,688, GTTTTGGACG deleted on the plus strand (CGTCCAAAAC on the coding strand, the reverse complement: SAMD9L is on the minus strand); deleting any 10 consecutive bases within chr7:93,135,679-93,135,694 gives the same sequence; the c. name uses the placement nearest the transcript's 3' end. VCF-style (leftmost placement, unchanged base first): chr7-93135678-TGTTTTGGACG-T. GRCh37 (hg19) VCF-style: chr7-92764991-TGTTTTGGACG-T.
Other names: c.284_293del, p.Pro95fs (NM_001303496.3, NM_001303497.3, NM_001303498.3 and 5 more transcripts); short protein forms P95fs.
Identifiers: ClinVar variation 4772322 (VCV004772322.1).